The following is an entry in ClinVar:

NM_031935.3(HMCN1):c.11199A>C (p.Glu3733Asp)

Gene: HMCN1 (hemicentin 1; plus strand). Cytogenetic location: 1q31.1.
Variant type: single nucleotide variant.
Coding change: c.11199A>C on transcript NM_031935.3 (MANE Select); coding-DNA position 11199, A replaced by C.
Protein change: p.Glu3733Asp; replaces glutamic acid 3733 with aspartic acid.
Molecular consequence: missense variant.
Genome position (GRCh38, 1-based): chr1:186,114,046, A>C. VCF-style: chr1-186114046-A-C. GRCh37 (hg19) VCF-style: chr1-186083178-A-C.
Other names: short protein forms E3733D.
Identifiers: ClinVar variation 1937873 (VCV001937873.5), dbSNP rs753727527, ClinGen allele CA343941184.
Genomic context (GRCh38, chr1:186,114,046, plus strand): 5'-AAACATAAAGGGGGGCCCCCAGAGCCTTGTAATTCTTTTAAATAAGTCAACTGTATTGGA[A>C]TGCATCGCTGAAGGTGTGCCAACTCCAAGGATAACATGGAGAAAGGATGGAGCTGTTCTA-3'
Protein context (NP_114141.2, residues 3723-3743): VILLNKSTVL[Glu3733Asp]CIAEGVPTPR

ClinVar aggregate classification (germline): Uncertain significance (1 of 4 stars; one submission).

Submission:

Labcorp Genetics (formerly Invitae), Labcorp
Classification: Uncertain significance. Last evaluated: 2022-07-12. Review status: criteria provided, single submitter. Criteria: Invitae Variant Classification Sherloc (09022015). Collection method: clinical testing. Allele origin: germline.
Comment: In summary, the available evidence is currently insufficient to determine the role of this variant in disease. Therefore, it has been classified as a Variant of Uncertain Significance. Algorithms developed to predict the effect of missense changes on protein structure and function (SIFT, PolyPhen-2, Align-GVGD) all suggest that this variant is likely to be disruptive. This variant has not been reported in the literature in individuals affected with HMCN1-related conditions. This variant is not present in population databases (gnomAD no frequency). This sequence change replaces glutamic acid, which is acidic and polar, with aspartic acid, which is acidic and polar, at codon 3733 of the HMCN1 protein (p.Glu3733Asp).